The following is an entry in ClinVar:

NM_002203.4(ITGA2):c.1189G>A (p.Gly397Ser)

Gene: ITGA2 (integrin subunit alpha 2; plus strand). Cytogenetic location: 5q11.2.
Variant type: single nucleotide variant.
Coding change: c.1189G>A on transcript NM_002203.4 (MANE Select); coding-DNA position 1189, G replaced by A.
Protein change: p.Gly397Ser; replaces glycine 397 with serine.
Molecular consequence: missense variant. On other transcripts: non-coding transcript variant (5).
Genome position (GRCh38, 1-based): chr5:53,059,889, G>A. VCF-style: chr5-53059889-G-A. GRCh37 (hg19) VCF-style: chr5-52355719-G-A.
Other names: short protein forms G397S.
Identifiers: ClinVar variation 353750 (VCV000353750.6), dbSNP rs767342253, ClinGen allele CA3262834.

ClinVar aggregate classification (germline): Conflicting classifications of pathogenicity. Review status: criteria provided, conflicting classifications (1 of 4 stars). 2 submissions from 2 submitters: Uncertain significance (1); Likely benign (1). Last evaluated 2024-07-26.

Conditions:
Platelet-type bleeding disorder 9 (BDPLT9). Also called: GLYCOPROTEIN Ia DEFICIENCY; GP Ia DEFICIENCY; COLLAGEN PLATELET RECEPTOR DEFICIENCY. Identifiers: Orphanet 73271, Orphanet 98886, MedGen C3280114, MONDO:0013622, OMIM 614200.
Inborn genetic diseases. Identifiers: MedGen C0950123, MeSH D030342.

Allele frequency attached by ClinVar (database versions not stated): gnomAD 0.00005 and 0.00006; TOPMed 0.00005; ExAC 0.00007; gnomAD exomes 0.00007.
gnomAD v4.1: 138 of 1,611,958 alleles (0.0086%); highest among the groups gnomAD compares: Non-Finnish European, 0.011%; no homozygotes.

Submissions (2):

Ambry Genetics
Classification: Uncertain significance for Inborn genetic diseases. Last evaluated: 2024-07-26. Review status: criteria provided, single submitter. Criteria: Ambry Variant Classification Scheme 2023. Collection method: clinical testing. Allele origin: germline.

Illumina Laboratory Services, Illumina
Classification: Likely benign for Platelet-type bleeding disorder 9. Last evaluated: 2018-01-12. Review status: criteria provided, single submitter. Criteria: ICSL Variant Classification Criteria 13 December 2019. Collection method: clinical testing. Allele origin: germline.
Comment: This variant was observed in the ICSL laboratory as part of a predisposition screen in an ostensibly healthy population. It had not been previously curated by ICSL or reported in the Human Gene Mutation Database (HGMD: prior to June 1st, 2018), and was therefore a candidate for classification through an automated scoring system. Utilizing variant allele frequency, disease prevalence and penetrance estimates, and inheritance mode, an automated score was calculated to assess if this variant is too frequent to cause the disease. Based on the score and internal cut-off values, a variant classified as likely benign is not then subjected to further curation. The score for this variant resulted in a classification of likely benign for this disease.